The following is an entry in ClinVar:

NM_015409.5(EP400):c.8422A>G (p.Thr2808Ala)

Gene: EP400 (E1A binding protein p400; plus strand). Cytogenetic location: 12q24.33.
Variant type: single nucleotide variant.
Coding change: c.8422A>G on transcript NM_015409.5 (MANE Select); coding-DNA position 8422, A replaced by G.
Protein change: p.Thr2808Ala; replaces threonine 2808 with alanine.
Molecular consequence: missense variant.
Genome position (GRCh38, 1-based): chr12:132,064,755, A>G. VCF-style: chr12-132064755-A-G. GRCh37 (hg19) VCF-style: chr12-132549300-A-G.
Other names: short protein forms T2808A.
Identifiers: ClinVar variation 3056628 (VCV003056628.2), dbSNP rs7136109, ClinGen allele CA6887192.

ClinVar aggregate classification (germline): Benign (0 of 4 stars; one submission).

Conditions:
EP400-related disorder. Also called: EP400-related condition.

Allele frequency attached by ClinVar (database versions not stated): gnomAD exomes 0.01380; ExAC 0.04400; gnomAD 0.13597; 1000 Genomes Project 0.15136; ESP Exome Variant Server 0.15251; TOPMed 0.15361; 1000 Genomes Project 30x 0.15990.
gnomAD v4.1: 41,896 of 1,613,694 alleles (2.6%); highest among the groups gnomAD compares: African/African-American, 47%; 8,581 homozygotes.

Submission:

PreventionGenetics, part of Exact Sciences
Classification: Benign for EP400-related condition. Last evaluated: 2019-11-14. Review status: no assertion criteria provided. Collection method: clinical testing. Allele origin: germline.
Comment: This variant is classified as benign based on ACMG/AMP sequence variant interpretation guidelines (Richards et al. 2015 PMID: 25741868, with internal and published modifications).